The following is an entry in ClinVar:

NM_001199397.3(NEK1):c.1430+19_1430+20delinsAG

Gene: NEK1 (NIMA related kinase 1; minus strand). Cytogenetic location: 4q33.
Variant type: Indel.
Coding change: c.1430+19_1430+20delinsAG on transcript NM_001199397.3 (MANE Select); bases 19 to 20 of the intron after coding-DNA position 1430, GA replaced by AG.
Molecular consequence: intron variant.
Genome position (GRCh38, 1-based): chr4:169,555,912-169,555,913, TC replaced by CT on the plus strand (GA replaced by AG on the coding strand, the reverse complement: NEK1 is on the minus strand). VCF-style: chr4-169555912-TC-CT. GRCh37 (hg19) VCF-style: chr4-170477063-TC-CT.
Other names: c.1304+19_1304+20delinsAG (NM_001374421.1); c.1379+19_1379+20delinsAG (NM_001374420.1); c.1355+19_1355+20delinsAG (NM_001199399.3); c.1430+19_1430+20delinsAG (NM_001199398.3, NM_001374419.1, NM_001199400.3 and 2 more transcripts).
Identifiers: ClinVar variation 2823293 (VCV002823293.3), dbSNP rs2546763470, ClinGen allele CA2739270351.

ClinVar aggregate classification (germline): Uncertain significance (1 of 4 stars; one submission).

Conditions:
Short-rib thoracic dysplasia 6 with or without polydactyly (SRTD6). Also called: SHORT RIB-POLYDACTYLY SYNDROME, TYPE IIA; Majewski Syndrome; POLYDACTYLY WITH NEONATAL CHONDRODYSTROPHY, TYPE II; SHORT-RIB THORACIC DYSPLASIA 6 WITH POLYDACTYLY; SHORT-RIB THORACIC DYSPLASIA 6 WITHOUT POLYDACTYLY. Identifiers: MedGen C0024507, MONDO:0009894, OMIM 263520.

Submission:

Labcorp Genetics (formerly Invitae), Labcorp
Classification: Uncertain significance for Short-rib thoracic dysplasia 6 with or without polydactyly. Last evaluated: 2025-06-12. Review status: criteria provided, single submitter. Criteria: Invitae Variant Classification Sherloc (09022015). Collection method: clinical testing. Allele origin: germline.
Comment: This sequence change falls in intron 16 of the NEK1 gene. It does not directly change the encoded amino acid sequence of the NEK1 protein. Information on the frequency of this variant in the gnomAD database is not available, as this variant may be reported differently in the database. This variant has not been reported in the literature in individuals affected with NEK1-related conditions. ClinVar contains an entry for this variant (Variation ID: 2823293). Experimental studies and prediction algorithms are not available or were not evaluated, and the effect of this variant on mRNA splicing is currently unknown. In summary, the available evidence is currently insufficient to determine the role of this variant in disease. Therefore, it has been classified as a Variant of Uncertain Significance.